The following is an entry in ClinVar:

ClinVar aggregate classification (germline): Uncertain significance (1 of 4 stars; one submission).

Submission:

Labcorp Genetics (formerly Invitae), Labcorp
Classification: Uncertain significance. Last evaluated: 2023-04-05. Review status: criteria provided, single submitter. Criteria: Invitae Variant Classification Sherloc (09022015). Collection method: clinical testing. Allele origin: germline.
Comment: This sequence change replaces proline, which is neutral and non-polar, with serine, which is neutral and polar, at codon 65 of the IL2RB protein (p.Pro65Ser). This variant is not present in population databases (gnomAD no frequency). This variant has not been reported in the literature in individuals affected with IL2RB-related conditions. Algorithms developed to predict the effect of missense changes on protein structure and function output the following: SIFT: "Not Available"; PolyPhen-2: "Benign"; Align-GVGD: "Not Available". The serine amino acid residue is found in multiple mammalian species, which suggests that this missense change does not adversely affect protein function. In summary, the available evidence is currently insufficient to determine the role of this variant in disease. Therefore, it has been classified as a Variant of Uncertain Significance.

NM_000878.5(IL2RB):c.193C>T (p.Pro65Ser)

Gene: IL2RB (interleukin 2 receptor subunit beta; minus strand). Cytogenetic location: 22q12.3.
Variant type: single nucleotide variant.
Coding change: c.193C>T on transcript NM_000878.5 (MANE Select); coding-DNA position 193, C replaced by T.
Protein change: p.Pro65Ser; replaces proline 65 with serine.
Molecular consequence: missense variant.
Genome position (GRCh38, 1-based): chr22:37,143,531, G>A on the plus strand (C>T on the coding strand, the complement: IL2RB is on the minus strand). VCF-style: chr22-37143531-G-A. GRCh37 (hg19) VCF-style: chr22-37539571-G-A.
Other names: c.193C>T, p.Pro65Ser (NM_001346222.1, NM_001346223.2); short protein forms P65S.
Identifiers: ClinVar variation 2779655 (VCV002779655.3), dbSNP rs2517844926, ClinGen allele CA411429438.
Genomic context (GRCh38, chr22:37,143,531, plus strand): 5'-ATATGAGATCCCACCATCCTAAGATTCTGCAGTGTGGCCAGTGGACTCACCGTCTGTCCG[G>A]CCAGGCATGGACTTGGCAGGAAGTGTCCTGCAGAGCCCCATCTTGGCTCCAGACACAGGA-3'
Protein context (NP_000869.1, residues 55-75): QDTSCQVHAW[Pro65Ser]DRRRWNQTCE